The following is an entry in ClinVar:

ClinVar aggregate classification (germline): Uncertain significance (1 of 4 stars; one submission).

Conditions:
Familial cold autoinflammatory syndrome 3 (FCAS3). Also called: FAMILIAL ATYPICAL COLD URTICARIA; ANTIBODY DEFICIENCY AND IMMUNE DYSREGULATION, PLCG2-ASSOCIATED. Identifiers: Orphanet 300359, MedGen C3280914, MONDO:0013766, OMIM 614468.

gnomAD v4.1: 3 of 1,607,222 alleles (0.00019%); highest among the groups gnomAD compares: African/African-American, 0.004%; no homozygotes.

Submission:

Labcorp Genetics (formerly Invitae), Labcorp
Classification: Uncertain significance for Familial cold autoinflammatory syndrome 3. Last evaluated: 2025-12-15. Review status: criteria provided, single submitter. Criteria: Invitae Variant Classification Sherloc (09022015). Collection method: clinical testing. Allele origin: germline.
Comment: This sequence change replaces leucine, which is neutral and non-polar, with methionine, which is neutral and non-polar, at codon 318 of the PLCG2 protein (p.Leu318Met). This variant is present in population databases (no rsID available, gnomAD 0.01%). This variant has not been reported in the literature in individuals affected with PLCG2-related conditions. An algorithm developed to predict the effect of missense changes on protein structure and function (PolyPhen-2) suggests that this variant is likely to be disruptive. In summary, the available evidence is currently insufficient to determine the role of this variant in disease. Therefore, it has been classified as a Variant of Uncertain Significance.

NM_002661.5(PLCG2):c.952C>A (p.Leu318Met)

Gene: PLCG2 (phospholipase C gamma 2; plus strand). Cytogenetic location: 16q23.3.
Variant type: single nucleotide variant.
Coding change: c.952C>A on transcript NM_002661.5 (MANE Select); coding-DNA position 952, C replaced by A.
Protein change: p.Leu318Met; replaces leucine 318 with methionine.
Molecular consequence: missense variant.
Genome position (GRCh38, 1-based): chr16:81,891,556, C>A. VCF-style: chr16-81891556-C-A. GRCh37 (hg19) VCF-style: chr16-81925161-C-A.
Other names: c.952C>A, p.Leu318Met (NM_001425749.1, NM_001425750.1, NM_001425751.1); short protein forms L318M.
Identifiers: ClinVar variation 4745025 (VCV004745025.1).